The following is an entry in ClinVar:

NM_001130145.3(YAP1):c.598C>T (p.Gln200Ter)

Gene: YAP1 (Yes1 associated transcriptional regulator; plus strand). Cytogenetic location: 11q22.1.
Variant type: single nucleotide variant.
Coding change: c.598C>T on transcript NM_001130145.3 (MANE Select); coding-DNA position 598, C replaced by T.
Protein change: p.Gln200Ter; replaces glutamine 200 with a stop codon.
Molecular consequence: nonsense.
Genome position (GRCh38, 1-based): chr11:102,162,481, C>T. VCF-style: chr11-102162481-C-T. GRCh37 (hg19) VCF-style: chr11-102033212-C-T.
Other names: c.598C>T, p.Gln200Ter (NM_001195044.2, NM_001282097.2, NM_001282098.2 and 4 more transcripts); c.64C>T, p.Gln22Ter (NM_001195045.2); short protein forms Q22*, Q200*.
Identifiers: ClinVar variation 2007045 (VCV002007045.4), dbSNP rs2496328398, ClinGen allele CA382290530.

ClinVar aggregate classification (germline): Uncertain significance (1 of 4 stars; one submission).

Submission:

Labcorp Genetics (formerly Invitae), Labcorp
Classification: Uncertain significance. Last evaluated: 2022-06-15. Review status: criteria provided, single submitter. Criteria: Invitae Variant Classification Sherloc (09022015). Collection method: clinical testing. Allele origin: germline.
Comment: In summary, the available evidence is currently insufficient to determine the role of this variant in disease. Therefore, it has been classified as a Variant of Uncertain Significance. This variant has not been reported in the literature in individuals affected with YAP1-related conditions. This variant is not present in population databases (gnomAD no frequency). This sequence change creates a premature translational stop signal (p.Gln200*) in the YAP1 gene. It is expected to result in an absent or disrupted protein product. However, the current clinical and genetic evidence is not sufficient to establish whether loss-of-function variants in YAP1 cause disease.